The following is an entry in ClinVar:

NM_001353108.3(CEP63):c.686G>A (p.Arg229His)

Gene: CEP63 (centrosomal protein 63; plus strand). Cytogenetic location: 3q22.2.
Variant type: single nucleotide variant.
Coding change: c.686G>A on transcript NM_001353108.3 (MANE Select); coding-DNA position 686, G replaced by A.
Protein change: p.Arg229His; replaces arginine 229 with histidine.
Molecular consequence: missense variant. On other transcripts: non-coding transcript variant (4).
Genome position (GRCh38, 1-based): chr3:134,545,716, G>A. VCF-style: chr3-134545716-G-A. GRCh37 (hg19) VCF-style: chr3-134264558-G-A.
Other names: c.686G>A, p.Arg229His (NM_001042383.2, NM_001042384.2, NM_001042400.3 and 13 more transcripts); c.713G>A, p.Arg238His (NM_001353118.1); c.602G>A, p.Arg201His (NM_001353125.2); c.323G>A, p.Arg108His (NM_001353126.2); short protein forms R108H, R201H, R238H, R229H.
Identifiers: ClinVar variation 1355607 (VCV001355607.5), dbSNP rs140717774, ClinGen allele CA2628453.

ClinVar aggregate classification (germline): Uncertain significance (1 of 4 stars; one submission).

Allele frequency attached by ClinVar (database versions not stated): 1000 Genomes Project 30x 0.00031; 1000 Genomes Project 0.00040.
gnomAD v4.1: 55 of 1,614,028 alleles (0.0034%); highest among the groups gnomAD compares: South Asian, 0.041%; no homozygotes.

Submission:

Labcorp Genetics (formerly Invitae), Labcorp
Classification: Uncertain significance. Last evaluated: 2024-02-24. Review status: criteria provided, single submitter. Criteria: Invitae Variant Classification Sherloc (09022015). Collection method: clinical testing. Allele origin: germline.
Comment: This sequence change replaces arginine, which is basic and polar, with histidine, which is basic and polar, at codon 229 of the CEP63 protein (p.Arg229His). This variant is present in population databases (rs140717774, gnomAD 0.04%). This variant has not been reported in the literature in individuals affected with CEP63-related conditions. ClinVar contains an entry for this variant (Variation ID: 1355607). Advanced modeling of protein sequence and biophysical properties (such as structural, functional, and spatial information, amino acid conservation, physicochemical variation, residue mobility, and thermodynamic stability) performed at Invitae indicates that this missense variant is not expected to disrupt CEP63 protein function with a negative predictive value of 80%. In summary, the available evidence is currently insufficient to determine the role of this variant in disease. Therefore, it has been classified as a Variant of Uncertain Significance.